The following is an entry in ClinVar:

NM_001374736.1(DST):c.18079A>G (p.Ile6027Val)

Gene: DST (dystonin; minus strand). Cytogenetic location: 6p12.1.
Variant type: single nucleotide variant.
Coding change: c.18079A>G on transcript NM_001374736.1 (MANE Select); coding-DNA position 18079, A replaced by G.
Protein change: p.Ile6027Val; replaces isoleucine 6027 with valine.
Molecular consequence: missense variant.
Genome position (GRCh38, 1-based): chr6:56,526,411, T>C on the plus strand (A>G on the coding strand, the complement: DST is on the minus strand). VCF-style: chr6-56526411-T-C. GRCh37 (hg19) VCF-style: chr6-56391209-T-C.
Other names: c.11722A>G, p.Ile3908Val (NM_001144769.5); c.11308A>G, p.Ile3770Val (NM_001144770.2); c.18079A>G, p.Ile6027Val (NM_001374722.1); c.17119A>G, p.Ile5707Val (NM_001374729.1); c.10861A>G, p.Ile3621Val (NM_001374730.1); c.18106A>G, p.Ile6036Val (NM_001374734.1); c.11188A>G, p.Ile3730Val (NM_001386100.1, NM_183380.4); c.10210A>G, p.Ile3404Val (NM_015548.5); short protein forms I3908V, I6036V, I3621V, I3730V, I5707V, I6027V, I3404V, I3770V.
Identifiers: ClinVar variation 4787916 (VCV004787916.1).

ClinVar aggregate classification (germline): Uncertain significance (1 of 4 stars; one submission).

Conditions:
Epidermolysis bullosa simplex 3, localized or generalized intermediate, with BP230 deficiency (EBS3). Also called: Epidermolysis bullosa simplex, autosomal recessive 2; Epidermolysis bullosa simplex due to BP230 deficiency. Identifiers: Orphanet 412181, MedGen C3809470, MONDO:0014180, OMIM 615425.
Hereditary sensory and autonomic neuropathy type 6. Also called: HSAN VI; Neuropathy, hereditary sensory and autonomic, type VI. Identifiers: Orphanet 314381, MedGen C3539003, MONDO:0013839, OMIM 614653.

Submission:

Labcorp Genetics (formerly Invitae), Labcorp
Classification: Uncertain significance for Epidermolysis bullosa simplex 3, localized or generalized intermediate, with BP230 deficiency; Hereditary sensory and autonomic neuropathy type 6. Last evaluated: 2026-01-18. Review status: criteria provided, single submitter. Criteria: Invitae Variant Classification Sherloc (09022015). Collection method: clinical testing. Allele origin: germline.
Comment: The DST gene has multiple clinically relevant transcripts. This variant occurs in alternate transcript NM_015548.4, and corresponds to NM_001723.5:c.*89106A>G in the primary transcript. This sequence change replaces isoleucine, which is neutral and non-polar, with valine, which is neutral and non-polar, at codon 3404 of the DST protein (p.Ile3404Val). This variant is present in population databases (no rsID available, gnomAD 0.003%). This variant has not been reported in the literature in individuals affected with DST-related conditions. Experimental studies and prediction algorithms are not available or were not evaluated, and the functional significance of this variant is currently unknown. In summary, the available evidence is currently insufficient to determine the role of this variant in disease. Therefore, it has been classified as a Variant of Uncertain Significance.